The following is an entry in ClinVar:

ClinVar aggregate classification (germline): Uncertain significance (1 of 4 stars; one submission).

Submission:

GeneDx
Classification: Uncertain significance. Last evaluated: 2023-04-21. Review status: criteria provided, single submitter. Criteria: GeneDx Variant Classification Process June 2021. Collection method: clinical testing. Allele origin: germline. Affected: yes.
Comment: Not observed at significant frequency in large population cohorts (gnomAD); In-frame deletion of 2 amino acids in a non-repeat region; In silico analysis supports that this variant does not alter protein structure/function; Has not been previously published as pathogenic or benign to our knowledge

NM_016343.4(CENPF):c.7668_7673del (p.Glu2557_Leu2558del)

Gene: CENPF (centromere protein F; plus strand). Cytogenetic location: 1q41.
Variant type: Deletion.
Coding change: c.7668_7673del on transcript NM_016343.4 (MANE Select); coding-DNA positions 7668 to 7673, 6 bases deleted (AGAACT; older notation c.7668_7673delAGAACT).
Protein change: p.Glu2557_Leu2558del.
Molecular consequence: inframe deletion.
Genome position (GRCh38, 1-based): chr1:214,647,238-214,647,243, AGAACT deleted; deleting any 6 consecutive bases within chr1:214,647,237-214,647,243 gives the same sequence; the c. name uses the placement nearest the transcript's 3' end. VCF-style (leftmost placement, unchanged base first): chr1-214647236-TTAGAAC-T. GRCh37 (hg19) VCF-style: chr1-214820579-TTAGAAC-T.
Identifiers: ClinVar variation 2663537 (VCV002663537.1), dbSNP rs2528423314, ClinGen allele CA2695199979.
Genomic context (GRCh38, chr1:214,647,236, plus strand): 5'-CAGCTTGTCTCTAAACTGTCCCAGGTGGAAGGAGAGCACCAACTTTGGAAGGAGCAAAAC[TTAGAAC>T]TGAGAAATCTGACAGTGGAATTGGAGCAGAAGATCCAAGTGCTACAATCCAAAAATGCCT-3'